The following is an entry in ClinVar:

ClinVar aggregate classification (germline): Uncertain significance. Review status: criteria provided, multiple submitters, no conflicts (2 of 4 stars). 6 submissions from 6 submitters: Uncertain significance (6). Last evaluated 2026-01-01.

Conditions:
Familial thoracic aortic aneurysm and aortic dissection (TAAD). Also called: Thoracic aortic aneurysms and dissections. Identifiers: Orphanet 91387, MedGen C4707243, MONDO:0019625.
Aortic aneurysm, familial thoracic 4 (AAT4). Also called: AORTIC ANEURYSM/AORTIC DISSECTION AND PATENT DUCTUS ARTERIOSUS. Identifiers: MedGen C1851504, MONDO:0007568, OMIM 132900.

Allele frequency attached by ClinVar (database versions not stated): TOPMed below 0.00001; gnomAD 0.00001 and 0.00002; gnomAD exomes 0.00004; ExAC 0.00006; 1000 Genomes Project 30x 0.00031; 1000 Genomes Project 0.00040.
gnomAD v4.1: 21 of 1,614,140 alleles (0.0013%); highest among the groups gnomAD compares: Middle Eastern, 0.033%; no homozygotes.

Submissions (6):

CeGaT Center for Human Genetics Tuebingen
Classification: Uncertain significance. Last evaluated: 2026-01-01. Review status: criteria provided, single submitter. Criteria: CeGaT Center For Human Genetics Tuebingen Variant Classification Criteria Version 2. Collection method: clinical testing. Allele origin: germline. Affected: yes. Observed: 1 variant allele.

Ambry Genetics
Classification: Uncertain significance for Familial thoracic aortic aneurysm and aortic dissection. Last evaluated: 2025-09-21. Review status: criteria provided, single submitter. Criteria: Ambry Variant Classification Scheme 2023. Collection method: clinical testing. Allele origin: germline.
Comment: The p.R1609Q variant (also known as c.4826G>A), located in coding exon 33 of the MYH11 gene, results from a G to A substitution at nucleotide position 4826. The arginine at codon 1609 is replaced by glutamine, an amino acid with highly similar properties. This amino acid position is conserved. In addition, the in silico prediction for this alteration is inconclusive. Based on the available evidence, the clinical significance of this variant remains unclear.

GeneDx
Classification: Uncertain significance. Last evaluated: 2025-01-27. Review status: criteria provided, single submitter. Criteria: GeneDx Variant Classification Process June 2021. Collection method: clinical testing. Allele origin: germline. Affected: yes.
Comment: In silico analysis supports that this missense variant has a deleterious effect on protein structure/function; Has not been previously published as pathogenic or benign to our knowledge; This variant is associated with the following publications: (PMID: 21529752)

Color Diagnostics, LLC DBA Color Health
Classification: Uncertain significance for Familial thoracic aortic aneurysm and aortic dissection. Last evaluated: 2024-03-06. Review status: criteria provided, single submitter. Criteria: ACMG Guidelines, 2015. Collection method: clinical testing. Allele origin: germline.
Comment: This missense variant replaces arginine with glutamine at codon 1616 of the MYH11 protein. Computational prediction is inconclusive regarding the impact of this variant on protein structure and function (internally defined REVEL score threshold 0.5 < inconclusive < 0.7, PMID: 27666373). To our knowledge, functional studies have not been reported for this variant. This variant has not been reported in individuals affected with MYH11-related disorders in the literature. This variant has been identified in 10/251354 chromosomes in the general population by the Genome Aggregation Database (gnomAD). The available evidence is insufficient to determine the role of this variant in disease conclusively. Therefore, this variant is classified as a Variant of Uncertain Significance.

Labcorp Genetics (formerly Invitae), Labcorp
Classification: Uncertain significance for Aortic aneurysm, familial thoracic 4. Last evaluated: 2024-02-16. Review status: criteria provided, single submitter. Criteria: Invitae Variant Classification Sherloc (09022015). Collection method: clinical testing. Allele origin: germline.
Comment: This sequence change replaces arginine, which is basic and polar, with glutamine, which is neutral and polar, at codon 1616 of the MYH11 protein (p.Arg1616Gln). This variant is present in population databases (rs190316422, gnomAD 0.02%). This variant has not been reported in the literature in individuals affected with MYH11-related conditions. ClinVar contains an entry for this variant (Variation ID: 201080). Advanced modeling of protein sequence and biophysical properties (such as structural, functional, and spatial information, amino acid conservation, physicochemical variation, residue mobility, and thermodynamic stability) performed at Invitae indicates that this missense variant is not expected to disrupt MYH11 protein function with a negative predictive value of 95%. In summary, the available evidence is currently insufficient to determine the role of this variant in disease. Therefore, it has been classified as a Variant of Uncertain Significance.

All of Us Research Program, National Institutes of Health
Classification: Uncertain significance for Familial thoracic aortic aneurysm and aortic dissection. Last evaluated: 2023-12-13. Review status: criteria provided, single submitter. Criteria: ACMG Guidelines, 2015. Collection method: clinical testing. Allele origin: germline. Inheritance: Autosomal dominant inheritance. Observed: 3 variant alleles, 3 heterozygotes.
Comment: This missense variant replaces arginine with glutamine at codon 1616 of the MYH11 protein. Computational prediction is inconclusive regarding the impact of this variant on protein structure and function (internally defined REVEL score threshold 0.5 < inconclusive < 0.7, PMID: 27666373). To our knowledge, functional studies have not been reported for this variant. This variant has not been reported in individuals affected with cardiovascular disorders in the literature. This variant has been identified in 10/251354 chromosomes in the general population by the Genome Aggregation Database (gnomAD). The available evidence is insufficient to determine the role of this variant in disease conclusively. Therefore, this variant is classified as a Variant of Uncertain Significance.

This study involves interpretation of variants in research participants for the purpose of population health screening. Participant phenotype was not available at the time of variant classification. Additional details can be found in publication PMID: 35346344, PMCID: PMC8962531

NM_002474.3(MYH11):c.4826G>A (p.Arg1609Gln)

Genes: MYH11 (myosin heavy chain 11; minus strand), NDE1 (nudE neurodevelopment protein 1; plus strand). Cytogenetic location: 16p13.11.
Variant type: single nucleotide variant.
Coding change: c.4826G>A on transcript NM_002474.3 (MANE Select); coding-DNA position 4826, G replaced by A.
Protein change: p.Arg1609Gln; replaces arginine 1609 with glutamine.
Molecular consequence: missense variant. On other transcripts: intron variant (2).
Genome position (GRCh38, 1-based): chr16:15,720,278, C>T on the plus strand (G>A on the coding strand, the complement: MYH11 is on the minus strand). VCF-style: chr16-15720278-C-T. GRCh37 (hg19) VCF-style: chr16-15814135-C-T.
Other names: p.R1609Q:CGA>CAA; c.4847G>A, p.Arg1616Gln (NM_001040113.2, NM_001040114.2); c.4826G>A, p.Arg1609Gln (NM_022844.3); c.948-3913C>T (NM_001143979.2, NM_017668.3); short protein forms R1609Q, R1616Q.
Identifiers: ClinVar variation 201080 (VCV000201080.21), dbSNP rs190316422, ClinGen allele CA306583.